The following is an entry in ClinVar:

ClinVar aggregate classification (germline): Pathogenic/Likely pathogenic. Review status: criteria provided, multiple submitters, no conflicts (2 of 4 stars). 2 submissions from 2 submitters: Pathogenic (1); Likely pathogenic (1). Last evaluated 2020-12-09.

Conditions:
CHARGE syndrome (CHARGE). Also called: Coloboma, heart anomaly, choanal atresia, retardation, genital and ear anomalies; CHARGE association; Hall-Hittner syndrome; Hittner Hirsch Kreh syndrome; CHARGE ASSOCIATION--COLOBOMA, HEART ANOMALY, CHOANAL ATRESIA, RETARDATION, GENITAL AND EAR ANOMALIES. Identifiers: Orphanet 138, MedGen C0265354, MONDO:0008965.
CHD7-related disorder. Also called: CHD7-related condition.

Submissions (2):

Blueprint Genetics
Classification: Likely pathogenic for CHD7-related disorders. Last evaluated: 2020-12-09. Review status: criteria provided, single submitter. Criteria: ACMG Guidelines, 2015. Collection method: clinical testing. Allele origin: germline. Affected: yes. Observed: 1 variant allele.

Labcorp Genetics (formerly Invitae), Labcorp
Classification: Pathogenic for CHARGE syndrome. Last evaluated: 2018-08-20. Review status: criteria provided, single submitter. Criteria: Invitae Variant Classification Sherloc (09022015). Collection method: clinical testing. Allele origin: germline.
Comment: This nonsense change has been reported in an individual affected with Kallmann syndrome (PMID: 25077900). Loss-of-function variants in CHD7 are known to be pathogenic (PMID: 22461308, 25077900). For these reasons, this variant has been classified as Pathogenic. This variant is not present in population databases (ExAC no frequency). This sequence change creates a premature translational stop signal (p.Trp2594*) in the CHD7 gene. It is expected to result in an absent or disrupted protein product.

Literature cited by the submitters: PubMed 25077900 (cited by Labcorp Genetics (formerly Invitae), Labcorp); PubMed 22461308 (cited by Labcorp Genetics (formerly Invitae), Labcorp).

NM_017780.4(CHD7):c.7781G>A (p.Trp2594Ter)

Gene: CHD7 (chromodomain helicase DNA binding protein 7; plus strand). Cytogenetic location: 8q12.2.
Variant type: single nucleotide variant.
Coding change: c.7781G>A on transcript NM_017780.4 (MANE Select); coding-DNA position 7781, G replaced by A.
Protein change: p.Trp2594Ter; replaces tryptophan 2594 with a stop codon.
Molecular consequence: nonsense. On other transcripts: intron variant (1).
Genome position (GRCh38, 1-based): chr8:60,861,076, G>A. VCF-style: chr8-60861076-G-A. GRCh37 (hg19) VCF-style: chr8-61773635-G-A.
Other names: c.1717-1153G>A (NM_001316690.1); short protein forms W2594*.
Identifiers: ClinVar variation 651792 (VCV000651792.9), dbSNP rs748126701, ClinGen allele CA371304684.